The following is an entry in ClinVar:

ClinVar aggregate classification (germline): Likely benign. Review status: criteria provided, single submitter (1 of 4 stars). 2 submissions from 2 submitters: Likely benign (1). 1 of the submissions does not count toward it. Last evaluated 2025-02-03.

Conditions:
PRPH2-related disorder. Also called: PRPH2-related disorders; PRPH2-related condition. Identifiers: MedGen CN239395.

Allele frequency attached by ClinVar (database versions not stated): gnomAD exomes 0.00002; ExAC 0.00003; TOPMed 0.00003; gnomAD 0.00005; ESP Exome Variant Server 0.00015.

Submissions (2):

Labcorp Genetics (formerly Invitae), Labcorp
Classification: Likely benign for PRPH2-related disorder. Last evaluated: 2025-02-03. Review status: criteria provided, single submitter. Criteria: Invitae Variant Classification Sherloc (09022015). Collection method: clinical testing. Allele origin: germline.

PreventionGenetics, part of Exact Sciences
Classification: Likely benign for PRPH2-related condition. Last evaluated: 2019-03-12. Review status: no assertion criteria provided. Collection method: clinical testing. Allele origin: germline. Not counted in ClinVar's aggregate classification.
Comment: This variant is classified as likely benign based on ACMG/AMP sequence variant interpretation guidelines (Richards et al. 2015 PMID: 25741868, with internal and published modifications).

NM_000322.5(PRPH2):c.435C>T (p.Asp145=)

Gene: PRPH2 (peripherin 2; minus strand). Cytogenetic location: 6p21.1.
Variant type: single nucleotide variant.
Coding change: c.435C>T on transcript NM_000322.5 (MANE Select); coding-DNA position 435, C replaced by T.
Protein change: p.Asp145=; no amino-acid change (aspartic acid 145 retained).
Molecular consequence: synonymous variant.
Genome position (GRCh38, 1-based): chr6:42,721,900, G>A on the plus strand (C>T on the coding strand, the complement: PRPH2 is on the minus strand). VCF-style: chr6-42721900-G-A. GRCh37 (hg19) VCF-style: chr6-42689638-G-A.
Other names: c.435C>T (NM_000322.4).
Identifiers: ClinVar variation 1971502 (VCV001971502.7), dbSNP rs200978519, ClinGen allele CA3808614.